The following is an entry in ClinVar:

NM_182920.2(ADAMTS9):c.2540A>G (p.Gln847Arg)

Gene: ADAMTS9 (ADAM metallopeptidase with thrombospondin type 1 motif 9; minus strand). Cytogenetic location: 3p14.1.
Variant type: single nucleotide variant.
Coding change: c.2540A>G on transcript NM_182920.2 (MANE Select); coding-DNA position 2540, A replaced by G.
Protein change: p.Gln847Arg; replaces glutamine 847 with arginine.
Molecular consequence: missense variant.
Genome position (GRCh38, 1-based): chr3:64,622,436, T>C on the plus strand (A>G on the coding strand, the complement: ADAMTS9 is on the minus strand). VCF-style: chr3-64622436-T-C. GRCh37 (hg19) VCF-style: chr3-64608112-T-C.
Other names: c.2456A>G, p.Gln819Arg (NM_001318781.2); short protein forms Q819R, Q847R.
Identifiers: ClinVar variation 4637759 (VCV004637759.1).

ClinVar aggregate classification (germline): Uncertain significance (1 of 4 stars; one submission).

gnomAD v4.1: 14 of 1,614,006 alleles (0.00087%); highest among the groups gnomAD compares: South Asian, 0.013%; no homozygotes.

Submission:

Ambry Genetics
Classification: Uncertain significance. Last evaluated: 2025-09-27. Review status: criteria provided, single submitter. Criteria: Ambry Variant Classification Scheme 2023. Collection method: clinical testing. Allele origin: germline.
Comment: The c.2540A>G (p.Q847R) alteration is located in exon 17 (coding exon 17) of the ADAMTS9 gene. This alteration results from a A to G substitution at nucleotide position 2540, causing the glutamine (Q) at amino acid position 847 to be replaced by an arginine (R). Based on data from gnomAD, the G allele has an overall frequency of 0.001% (3/251230) total alleles studied. The highest observed frequency was 0.01% (3/30610) of South Asian alleles. Based on insufficient or conflicting evidence, the clinical significance of this alteration remains unclear.